The following is an entry in ClinVar:

NM_003737.4(DCHS1):c.8897G>A (p.Arg2966His)

Gene: DCHS1 (dachsous cadherin-related 1; minus strand). Cytogenetic location: 11p15.4.
Variant type: single nucleotide variant.
Coding change: c.8897G>A on transcript NM_003737.4 (MANE Select); coding-DNA position 8897, G replaced by A.
Protein change: p.Arg2966His; replaces arginine 2966 with histidine.
Molecular consequence: missense variant.
Genome position (GRCh38, 1-based): chr11:6,622,779, C>T on the plus strand (G>A on the coding strand, the complement: DCHS1 is on the minus strand). VCF-style: chr11-6622779-C-T. GRCh37 (hg19) VCF-style: chr11-6644010-C-T.
Other names: short protein forms R2966H.
Identifiers: ClinVar variation 734827 (VCV000734827.10), dbSNP rs201519860, ClinGen allele CA5859335.
Genomic context (GRCh38, chr11:6,622,779, plus strand): 5'-AGTGAGTCACTGGCTAGGGGTGCTGCCTGTGACATTGGGCCAGGGGCTGCCTCAGCCTTG[C>T]GGCTACGGGCCCGAACAAGTCCTAGGACCAGGGCTGCCAGTGCAAGCACCACCACAACTC-3'
Protein context (NP_003728.1, residues 2956-2976): LVLGLVRARS[Arg2966His]KAEAAPGPMS

ClinVar aggregate classification (germline): Benign. Review status: criteria provided, single submitter (1 of 4 stars). 2 submissions from 2 submitters: Benign (1). 1 of the submissions does not count toward it. Last evaluated 2026-01-05.

Conditions:
DCHS1-related disorder. Also called: DCHS1-related condition.

Allele frequency attached by ClinVar (database versions not stated): gnomAD exomes 0.00014 and 0.00048; ESP Exome Variant Server 0.00023; TOPMed 0.00053; 1000 Genomes Project 30x 0.00078; ExAC 0.00081; 1000 Genomes Project 0.00100.
gnomAD v4.1: 263 of 1,591,788 alleles (0.017%); highest among the groups gnomAD compares: East Asian, 0.19%; 2 homozygotes.

Submissions (2):

Labcorp Genetics (formerly Invitae), Labcorp
Classification: Benign. Last evaluated: 2026-01-05. Review status: criteria provided, single submitter. Criteria: Invitae Variant Classification Sherloc (09022015). Collection method: clinical testing. Allele origin: germline.

PreventionGenetics, part of Exact Sciences
Classification: Likely benign for DCHS1-related condition. Last evaluated: 2024-07-01. Review status: no assertion criteria provided. Collection method: clinical testing. Allele origin: germline. Not counted in ClinVar's aggregate classification.
Comment: This variant is classified as likely benign based on ACMG/AMP sequence variant interpretation guidelines (Richards et al. 2015 PMID: 25741868, with internal and published modifications).